The following is an entry in ClinVar:

ClinVar aggregate classification (germline): Uncertain significance (1 of 4 stars; one submission).

Conditions:
Hereditary cancer-predisposing syndrome. Also called: Neoplastic Syndromes, Hereditary; Tumor predisposition; Hereditary Cancer Syndrome; Hereditary neoplastic syndrome. Identifiers: Orphanet 140162, MedGen C0027672, MeSH D009386, MONDO:0015356.

Submission:

Ambry Genetics
Classification: Uncertain significance for Hereditary cancer-predisposing syndrome. Last evaluated: 2021-02-25. Review status: criteria provided, single submitter. Criteria: Ambry Variant Classification Scheme 2023. Collection method: clinical testing. Allele origin: germline.
Comment: The p.D1276H variant (also known as c.3826G>C), located in coding exon 25 of the ALK gene, results from a G to C substitution at nucleotide position 3826. The aspartic acid at codon 1276 is replaced by histidine, an amino acid with similar properties. This amino acid position is highly conserved in available vertebrate species. In addition, this alteration is predicted to be deleterious by in silico analysis. Since supporting evidence is limited at this time, the clinical significance of this alteration remains unclear.

NM_004304.5(ALK):c.3826G>C (p.Asp1276His)

Gene: ALK (ALK receptor tyrosine kinase; minus strand). Cytogenetic location: 2p23.2.
Variant type: single nucleotide variant.
Coding change: c.3826G>C on transcript NM_004304.5 (MANE Select); coding-DNA position 3826, G replaced by C.
Protein change: p.Asp1276His; replaces aspartic acid 1276 with histidine.
Molecular consequence: missense variant.
Genome position (GRCh38, 1-based): chr2:29,209,796, C>G on the plus strand (G>C on the coding strand, the complement: ALK is on the minus strand). VCF-style: chr2-29209796-C-G. GRCh37 (hg19) VCF-style: chr2-29432662-C-G.
Other names: c.622G>C, p.Asp208His (NM_001353765.2); short protein forms D1276H, D208H.
Identifiers: ClinVar variation 1735306 (VCV001735306.2), dbSNP rs2148155051, ClinGen allele CA346469564.